The following is an entry in ClinVar:

NM_002907.4(RECQL):c.32_33del (p.Leu11fs)

Gene: RECQL (RecQ like helicase; minus strand). Cytogenetic location: 12p12.1.
Variant type: Deletion.
Coding change: c.32_33del on transcript NM_002907.4 (MANE Select); coding-DNA positions 32 to 33, 2 bases deleted (TG; older notation c.32_33delTG).
Protein change: p.Leu11fs; shifts the reading frame from leucine 11.
Molecular consequence: frameshift variant.
Genome position (GRCh38, 1-based): chr12:21,491,700-21,491,701, CA deleted on the plus strand (TG on the coding strand, the reverse complement: RECQL is on the minus strand). VCF-style (leftmost placement, unchanged base first): chr12-21491699-CCA-C. GRCh37 (hg19) VCF-style: chr12-21644633-CCA-C.
Other names: c.32_33del, p.Leu11fs (NM_032941.3); short protein forms L11fs.
Identifiers: ClinVar variation 1728805 (VCV001728805.3), dbSNP rs2540405952, ClinGen allele CA2575097814.

ClinVar aggregate classification (germline): Uncertain significance (1 of 4 stars; one submission).

Submission:

Ambry Genetics
Classification: Uncertain significance. Last evaluated: 2023-06-23. Review status: criteria provided, single submitter. Criteria: Ambry Variant Classification Scheme 2023. Collection method: clinical testing. Allele origin: germline.
Comment: The c.32_33delTG variant, located in coding exon 2 of the RECQL gene, results from a deletion of two nucleotides at nucleotide positions 32 to 33, causing a translational frameshift with a predicted alternate stop codon (p.L11Rfs*6). This alteration is expected to result in loss of function by premature protein truncation or nonsense-mediated mRNA decay. The evidence for this gene-disease relationship is limited; therefore, the clinical significance of this alteration is unclear.